The following is an entry in ClinVar:

ClinVar aggregate classification (germline): Uncertain significance. Review status: criteria provided, multiple submitters, no conflicts (2 of 4 stars). 3 submissions from 3 submitters: Uncertain significance (3). Last evaluated 2026-03-30.

Conditions:
Cardiovascular phenotype. Identifiers: MedGen CN230736.
Naxos disease (NXD). Also called: CARDIOMYOPATHY, ARRHYTHMOGENIC RIGHT VENTRICULAR, WITH SKIN, HAIR, AND NAIL ABNORMALITIES; KERATOSIS PALMOPLANTARIS WITH ARRHYTHMOGENIC CARDIOMYOPATHY; MAL DE NAXOS; PALMOPLANTAR KERATODERMA WITH ARRHYTHMOGENIC RIGHT VENTRICULAR CARDIOMYOPATHY AND WOOLLY HAIR; WOOLLY HAIR, PALMOPLANTAR KERATODERMA, AND CARDIAC ABNORMALITIES. Identifiers: Orphanet 34217, MedGen C1832600, MONDO:0011017, OMIM 601214.
Arrhythmogenic right ventricular dysplasia 12. Also called: ARRHYTHMOGENIC RIGHT VENTRICULAR DYSPLASIA, FAMILIAL, 12. Identifiers: MedGen C1969081, MONDO:0012684, OMIM 611528.

Allele frequency attached by ClinVar (database versions not stated): gnomAD exomes below 0.00001.
gnomAD v4.1: 1 of 1,614,178 alleles (0.000062%); highest among the groups gnomAD compares: Non-Finnish European, 0.000085%; no homozygotes.

Submissions (3):

Ambry Genetics
Classification: Uncertain significance for Cardiovascular phenotype. Last evaluated: 2026-03-30. Review status: criteria provided, single submitter. Criteria: Ambry Variant Classification Scheme 2023. Collection method: clinical testing. Allele origin: germline.
Comment: The p.A347V variant (also known as c.1040C>T), located in coding exon 5 of the JUP gene, results from a C to T substitution at nucleotide position 1040. The alanine at codon 347 is replaced by valine, an amino acid with similar properties. This amino acid position is conserved. In addition, this alteration is predicted to be deleterious by in silico analysis. Based on the available evidence, the clinical significance of this variant remains unclear.

Labcorp Genetics (formerly Invitae), Labcorp
Classification: Uncertain significance for Arrhythmogenic right ventricular dysplasia 12; Naxos disease. Last evaluated: 2024-08-15. Review status: criteria provided, single submitter. Criteria: Invitae Variant Classification Sherloc (09022015). Collection method: clinical testing. Allele origin: germline.
Comment: This sequence change replaces alanine, which is neutral and non-polar, with valine, which is neutral and non-polar, at codon 347 of the JUP protein (p.Ala347Val). This variant is not present in population databases (gnomAD no frequency). This variant has not been reported in the literature in individuals affected with JUP-related conditions. ClinVar contains an entry for this variant (Variation ID: 1473502). An algorithm developed to predict the effect of missense changes on protein structure and function (PolyPhen-2) suggests that this variant is likely to be disruptive. In summary, the available evidence is currently insufficient to determine the role of this variant in disease. Therefore, it has been classified as a Variant of Uncertain Significance.

Fulgent Genetics
Classification: Uncertain significance for Naxos disease; Arrhythmogenic right ventricular dysplasia 12. Last evaluated: 2021-08-18. Review status: criteria provided, single submitter. Criteria: ACMG Guidelines, 2015. Collection method: clinical testing. Allele origin: unknown.

NM_002230.4(JUP):c.1040C>T (p.Ala347Val)

Gene: JUP (junction plakoglobin; minus strand). Cytogenetic location: 17q21.2.
Variant type: single nucleotide variant.
Coding change: c.1040C>T on transcript NM_002230.4 (MANE Select); coding-DNA position 1040, C replaced by T.
Protein change: p.Ala347Val; replaces alanine 347 with valine.
Molecular consequence: missense variant.
Genome position (GRCh38, 1-based): chr17:41,764,937, G>A on the plus strand (C>T on the coding strand, the complement: JUP is on the minus strand). VCF-style: chr17-41764937-G-A. GRCh37 (hg19) VCF-style: chr17-39921189-G-A.
Other names: c.1040C>T, p.Ala347Val (NM_001352773.2, NM_001352774.2, NM_001352775.2 and 3 more transcripts); c.1040C>T (NM_002230.2); short protein forms A347V.
Identifiers: ClinVar variation 1473502 (VCV001473502.8), dbSNP rs1915466603, ClinGen allele CA399499244.